The following is an entry in ClinVar:

NM_052947.4(ALPK2):c.1381G>C (p.Asp461His)

Gene: ALPK2 (alpha kinase 2; minus strand). Cytogenetic location: 18q21.31.
Variant type: single nucleotide variant.
Coding change: c.1381G>C on transcript NM_052947.4 (MANE Select); coding-DNA position 1381, G replaced by C.
Protein change: p.Asp461His; replaces aspartic acid 461 with histidine.
Molecular consequence: missense variant.
Genome position (GRCh38, 1-based): chr18:58,579,395, C>G on the plus strand (G>C on the coding strand, the complement: ALPK2 is on the minus strand). VCF-style: chr18-58579395-C-G. GRCh37 (hg19) VCF-style: chr18-56246627-C-G.
Other names: short protein forms D461H.
Identifiers: ClinVar variation 3531653 (VCV003531653.1).

ClinVar aggregate classification (germline): Uncertain significance (1 of 4 stars; one submission).

gnomAD v4.1: 1 of 1,614,168 alleles (0.000062%); highest among the groups gnomAD compares: Non-Finnish European, 0.000085%; no homozygotes.

Submission:

Ambry Genetics
Classification: Uncertain significance. Last evaluated: 2024-10-06. Review status: criteria provided, single submitter. Criteria: Ambry Variant Classification Scheme 2023. Collection method: clinical testing. Allele origin: germline.
Comment: The p.D461H variant (also known as c.1381G>C), located in coding exon 3 of the ALPK2 gene, results from a G to C substitution at nucleotide position 1381. The aspartic acid at codon 461 is replaced by histidine, an amino acid with similar properties. This amino acid position is conserved. In addition, this alteration is predicted to be tolerated by in silico analysis. Based on the available evidence, the clinical significance of this variant remains unclear.